The following is an entry in ClinVar:

ClinVar aggregate classification (germline): Uncertain significance (1 of 4 stars; one submission).

Submission:

Ambry Genetics
Classification: Uncertain significance. Last evaluated: 2023-02-16. Review status: criteria provided, single submitter. Criteria: Ambry Variant Classification Scheme 2023. Collection method: clinical testing. Allele origin: germline.
Comment: The p.V108L variant (also known as c.322G>C), located in coding exon 3 of the BUB3 gene, results from a G to C substitution at nucleotide position 322. The valine at codon 108 is replaced by leucine, an amino acid with highly similar properties. This amino acid position is conserved. In addition, the in silico prediction for this alteration is inconclusive. Since supporting evidence is limited at this time, the clinical significance of this alteration remains unclear.

NM_004725.4(BUB3):c.322G>C (p.Val108Leu)

Gene: BUB3 (BUB3 mitotic checkpoint protein; plus strand). Cytogenetic location: 10q26.13.
Variant type: single nucleotide variant.
Coding change: c.322G>C on transcript NM_004725.4 (MANE Select); coding-DNA position 322, G replaced by C.
Protein change: p.Val108Leu; replaces valine 108 with leucine.
Molecular consequence: missense variant.
Genome position (GRCh38, 1-based): chr10:123,157,785, G>C. VCF-style: chr10-123157785-G-C. GRCh37 (hg19) VCF-style: chr10-124917301-G-C.
Other names: c.322G>C, p.Val108Leu (NM_001007793.3); short protein forms V108L.
Identifiers: ClinVar variation 2448144 (VCV002448144.2), dbSNP rs2493759862, ClinGen allele CA378625453.